The following is an entry in ClinVar:

NM_000257.4(MYH7):c.1248T>G (p.Asn416Lys)

Gene: MYH7 (myosin heavy chain 7; minus strand). Cytogenetic location: 14q11.2.
Variant type: single nucleotide variant.
Coding change: c.1248T>G on transcript NM_000257.4 (MANE Select); coding-DNA position 1248, T replaced by G.
Protein change: p.Asn416Lys; replaces asparagine 416 with lysine.
Molecular consequence: missense variant.
Genome position (GRCh38, 1-based): chr14:23,429,238, A>C on the plus strand (T>G on the coding strand, the complement: MYH7 is on the minus strand). VCF-style: chr14-23429238-A-C. GRCh37 (hg19) VCF-style: chr14-23898447-A-C.
Other names: p.Asn416Lys; c.1248T>G, p.Asn416Lys (NM_001407004.1); short protein forms N416K.
Identifiers: ClinVar variation 4871906 (VCV004871906.1).

ClinVar aggregate classification (germline): Likely pathogenic (1 of 4 stars; one submission).

Conditions:
Dilated cardiomyopathy 1S (CMD1S). Identifiers: Orphanet 154, Orphanet 54260, MedGen C1834481, MONDO:0013262, OMIM 613426.

Submission:

Centre for Mendelian Genomics, University Medical Centre Ljubljana
Classification: Likely pathogenic for Dilated cardiomyopathy 1S. Last evaluated: 2026-07-22. Review status: criteria provided, single submitter. Criteria: ACMG Guidelines, 2015. Collection method: clinical testing. Allele origin: germline. Affected: yes. Observed: 1 variant allele.
Comment: The variant c.1248T>G results in an amino acid substitution from asparagine to lysine at position 416, p.(Asn416Lys). Several lines of evidence support pathogenicity: (1) the variant is located in a mutational hotspot and/or well-established functional domain without benign variation in MYH7 [PM1]; (2) it is absent from all control populations in gnomAD [PM2]; (3) the variant was previously detected in two affected siblings with a consistent phenotype of non-compaction cardiomyopathy in our internal cohort [PS4_SUP]; and (4) the same amino acid change has been previously reported in a family with biventricular non-compaction cardiomyopathy, where it segregated with disease in three affected family members (PMID:36007715) [PS1_SUP]. Based on the currently available evidence, we classify this variant as likely pathogenic.

Literature cited by the submitters: PubMed 36007715.